The following is an entry in ClinVar:

NM_000143.4(FH):c.1391-7dup

Gene: FH (fumarate hydratase; minus strand). Cytogenetic location: 1q43.
Variant type: Duplication.
Coding change: c.1391-7dup on transcript NM_000143.4 (MANE Select); 7 bases into the intron before coding-DNA position 1391, one base duplicated (T; older notation c.1391-7dupT).
Molecular consequence: intron variant.
Genome position (GRCh38, 1-based): chr1:241,497,977, A duplicated on the plus strand (T on the coding strand, the reverse complement: FH is on the minus strand); the first of 6 consecutive A bases (chr1:241,497,977-241,497,982); duplicating any one gives the same sequence. VCF-style (leftmost placement, unchanged base first): chr1-241497976-G-GA. GRCh37 (hg19) VCF-style: chr1-241661276-G-GA.
Identifiers: ClinVar variation 3773415 (VCV003773415.1).

ClinVar aggregate classification (germline): Likely benign (1 of 4 stars; one submission).

Conditions:
Hereditary leiomyomatosis and renal cell cancer. Also called: MULTIPLE CUTANEOUS AND UTERINE LEIOMYOMATA 1, WITH OR WITHOUT RENAL CELL CARCINOMA; LEIOMYOMA, MULTIPLE CUTANEOUS; FH tumor predisposition syndrome; Reed syndrome; Multiple cutaneous and uterine leiomyomatosis; Cutaneous leiomyomata with uterine leiomyomata. Identifiers: Orphanet 523, MedGen C1708350, MONDO:0007888, OMIM 150800, HP:0007437. Disease mechanism: loss of function.

Submission:

Myriad Genetics, Inc.
Classification: Likely benign for Hereditary leiomyomatosis and renal cell cancer. Last evaluated: 2024-10-21. Review status: criteria provided, single submitter. Criteria: Myriad Autosomal Dominant, Autosomal Recessive and X-Linked Classification Criteria (2023). Collection method: clinical testing. Allele origin: unknown.
Comment: This variant is considered likely benign. This variant is intronic and is not expected to impact mRNA splicing.